The following is an entry in ClinVar:

NM_144997.7(FLCN):c.1180A>G (p.Met394Val)

Gene: FLCN (folliculin; minus strand). Cytogenetic location: 17p11.2.
Variant type: single nucleotide variant.
Coding change: c.1180A>G on transcript NM_144997.7 (MANE Select); coding-DNA position 1180, A replaced by G.
Protein change: p.Met394Val; replaces methionine 394 with valine.
Molecular consequence: missense variant.
Genome position (GRCh38, 1-based): chr17:17,216,500, T>C on the plus strand (A>G on the coding strand, the complement: FLCN is on the minus strand). VCF-style: chr17-17216500-T-C. GRCh37 (hg19) VCF-style: chr17-17119814-T-C.
Other names: c.1234A>G, p.Met412Val (NM_001353229.2); c.1180A>G, p.Met394Val (NM_001353230.2, NM_001353231.2); short protein forms M394V, M412V.
Identifiers: ClinVar variation 1742089 (VCV001742089.4), dbSNP rs1383235698, ClinGen allele CA398532016.
Genomic context (GRCh38, chr17:17,216,500, plus strand): 5'-GATAGGCCTCCTCGTACTGGCTGCTGTATGGGATGATGCGGACGCAGCCCACGGGAAGCA[T>C]GGTCTGAGGAGGACAGCAGGACTCAGACCAAGGACACGAGGAAGCCCTCAGCCCCGGCCA-3'
Protein context (NP_659434.2, residues 384-404): VQSAFEVLRT[Met394Val]LPVGCVRIIP

ClinVar aggregate classification (germline): Uncertain significance. Review status: criteria provided, multiple submitters, no conflicts (2 of 4 stars). 3 submissions from 3 submitters: Uncertain significance (3). Last evaluated 2025-12-17.

Conditions:
Birt-Hogg-Dube syndrome. Also called: Birt Hogg Dubé syndrome. Identifiers: Orphanet 122, MedGen C0346010, MONDO:0800444.
Colorectal cancer. Also called: Colorectal cancer, somatic; Malignant Colorectal Neoplasm. Identifiers: MedGen C0346629, MONDO:0005575, OMIM 114500.
Familial spontaneous pneumothorax (PSP). Identifiers: Orphanet 2903, MedGen C1868193, MONDO:0008259, OMIM 173600.
Nonpapillary renal cell carcinoma. Identifiers: Orphanet 422526, MedGen CN074294, MONDO:0007763, OMIM 144700.
Birt-Hogg-Dube syndrome 1 (BHD1). Also called: FIBROFOLLICULOMAS WITH TRICHODISCOMAS AND ACROCHORDONS. Identifiers: Orphanet 122, MedGen CN375946, MONDO:0800445, OMIM 135150.
Hereditary cancer-predisposing syndrome. Also called: Neoplastic Syndromes, Hereditary; Tumor predisposition; Hereditary Cancer Syndrome; Hereditary neoplastic syndrome. Identifiers: Orphanet 140162, MedGen C0027672, MeSH D009386, MONDO:0015356.

gnomAD v4.1: 3 of 1,613,768 alleles (0.00019%); highest among the groups gnomAD compares: Admixed American, 0.0017%; no homozygotes.

Submissions (3):

Labcorp Genetics (formerly Invitae), Labcorp
Classification: Uncertain significance for Birt-Hogg-Dube syndrome. Last evaluated: 2025-12-17. Review status: criteria provided, single submitter. Criteria: Invitae Variant Classification Sherloc (09022015). Collection method: clinical testing. Allele origin: germline.
Comment: This sequence change replaces methionine, which is neutral and non-polar, with valine, which is neutral and non-polar, at codon 394 of the FLCN protein (p.Met394Val). This variant is present in population databases (no rsID available, gnomAD 0.003%). This variant has not been reported in the literature in individuals affected with FLCN-related conditions. ClinVar contains an entry for this variant (Variation ID: 1742089). Invitae Evidence Modeling of protein sequence and biophysical properties (such as structural, functional, and spatial information, amino acid conservation, physicochemical variation, residue mobility, and thermodynamic stability) indicates that this missense variant is not expected to disrupt FLCN protein function with a negative predictive value of 80%. In summary, the available evidence is currently insufficient to determine the role of this variant in disease. Therefore, it has been classified as a Variant of Uncertain Significance.

Fulgent Genetics
Classification: Uncertain significance for Colorectal cancer; Birt-Hogg-Dube syndrome 1; Nonpapillary renal cell carcinoma; Familial spontaneous pneumothorax. Last evaluated: 2024-01-24. Review status: criteria provided, single submitter. Criteria: ACMG Guidelines, 2015. Collection method: clinical testing. Allele origin: germline.

Ambry Genetics
Classification: Uncertain significance for Hereditary cancer-predisposing syndrome. Last evaluated: 2022-08-29. Review status: criteria provided, single submitter. Criteria: Ambry Variant Classification Scheme 2023. Collection method: clinical testing. Allele origin: germline.
Comment: The p.M394V variant (also known as c.1180A>G), located in coding exon 8 of the FLCN gene, results from an A to G substitution at nucleotide position 1180. The methionine at codon 394 is replaced by valine, an amino acid with highly similar properties. This amino acid position is well conserved in available vertebrate species. In addition, the in silico prediction for this alteration is inconclusive. Since supporting evidence is limited at this time, the clinical significance of this alteration remains unclear.